The following is an entry in ClinVar:

NC_000015.9:g.(?_89753910)_(89762206_?)dup

Gene: RLBP1 (retinaldehyde binding protein 1; minus strand). Cytogenetic location: 15q26.1.
Variant type: Duplication.
Identifiers: ClinVar variation 1046311 (VCV001046311.6).

ClinVar aggregate classification (germline): Uncertain significance (1 of 4 stars; one submission).

Submission:

Labcorp Genetics (formerly Invitae), Labcorp
Classification: Uncertain significance. Last evaluated: 2022-02-05. Review status: criteria provided, single submitter. Criteria: Invitae Variant Classification Sherloc (09022015). Collection method: clinical testing. Allele origin: germline.
Comment: This variant results in a copy number gain of the genomic region encompassing exon(s) 3-8 of the RLBP1 gene. This region includes the initiator codon of the gene. This copy number gain extends beyond the assayed region for this gene and therefore may encompass additional genes. As the precise location of this event is unknown, it may be in tandem or it may be located elsewhere in the genome. This variant has not been reported in the literature in individuals affected with RLBP1-related conditions. In summary, the available evidence is currently insufficient to determine the role of this variant in disease. Therefore, it has been classified as a Variant of Uncertain Significance.